The following is an entry in ClinVar:

NM_013336.4(SEC61A1):c.574G>A (p.Val192Ile)

Gene: SEC61A1 (SEC61 translocon subunit alpha 1; plus strand). Cytogenetic location: 3q21.3.
Variant type: single nucleotide variant.
Coding change: c.574G>A on transcript NM_013336.4 (MANE Select); coding-DNA position 574, G replaced by A.
Protein change: p.Val192Ile; replaces valine 192 with isoleucine.
Molecular consequence: missense variant.
Genome position (GRCh38, 1-based): chr3:128,060,619, G>A. VCF-style: chr3-128060619-G-A. GRCh37 (hg19) VCF-style: chr3-127779462-G-A.
Other names: c.574G>A (NM_013336.3); short protein forms V192I.
Identifiers: ClinVar variation 1365521 (VCV001365521.8), dbSNP rs773479476, ClinGen allele CA83353364.
Genomic context (GRCh38, chr3:128,060,619, plus strand): 5'-GGATATGGCCTTGGCTCTGGTATTTCTCTCTTCATTGCAACTAACATCTGTGAAACCATC[G>A]TATGGAAGGCATTCAGCCCCACTACTGTCAACACTGGCCGAGGTAAGGGCCCTGTGCTCC-3'
Protein context (NP_037468.1, residues 182-202): FIATNICETI[Val192Ile]WKAFSPTTVN

ClinVar aggregate classification (germline): Uncertain significance. Review status: criteria provided, multiple submitters, no conflicts (2 of 4 stars). 3 submissions from 3 submitters: Uncertain significance (3). Last evaluated 2025-09-09.

Conditions:
Inborn genetic diseases. Identifiers: MedGen C0950123, MeSH D030342.

Allele frequency attached by ClinVar (database versions not stated): gnomAD exomes 0.00001; gnomAD 0.00002; TOPMed 0.00002.
gnomAD v4.1: 22 of 1,614,020 alleles (0.0014%); highest among the groups gnomAD compares: African/African-American, 0.0053%; no homozygotes.

Submissions (3):

Ambry Genetics
Classification: Uncertain significance for Inborn genetic diseases. Last evaluated: 2025-09-09. Review status: criteria provided, single submitter. Criteria: Ambry Variant Classification Scheme 2023. Collection method: clinical testing. Allele origin: germline.

Labcorp Genetics (formerly Invitae), Labcorp
Classification: Uncertain significance. Last evaluated: 2025-03-27. Review status: criteria provided, single submitter. Criteria: Invitae Variant Classification Sherloc (09022015). Collection method: clinical testing. Allele origin: germline.
Comment: This sequence change replaces valine, which is neutral and non-polar, with isoleucine, which is neutral and non-polar, at codon 192 of the SEC61A1 protein (p.Val192Ile). This variant is present in population databases (rs773479476, gnomAD 0.004%). This variant has not been reported in the literature in individuals affected with SEC61A1-related conditions. ClinVar contains an entry for this variant (Variation ID: 1365521). Invitae Evidence Modeling of protein sequence and biophysical properties (such as structural, functional, and spatial information, amino acid conservation, physicochemical variation, residue mobility, and thermodynamic stability) indicates that this missense variant is not expected to disrupt SEC61A1 protein function with a negative predictive value of 80%. In summary, the available evidence is currently insufficient to determine the role of this variant in disease. Therefore, it has been classified as a Variant of Uncertain Significance.

Breakthrough Genomics
Classification: Uncertain significance. Review status: criteria provided, single submitter. Criteria: ACMG Guidelines, 2015. Collection method: not provided. Allele origin: germline. Inheritance: Autosomal dominant inheritance. Affected: yes.